The following is an entry in ClinVar:

ClinVar aggregate classification (germline): Uncertain significance. Review status: criteria provided, multiple submitters, no conflicts (2 of 4 stars). 3 submissions from 3 submitters: Uncertain significance (3). Last evaluated 2024-06-24.

Allele frequency attached by ClinVar (database versions not stated): gnomAD 0.00001; ExAC 0.00002; gnomAD exomes 0.00001 and 0.00003; TOPMed 0.00003.
gnomAD v4.1: 10 of 1,614,118 alleles (0.00062%); highest among the groups gnomAD compares: Admixed American, 0.015%; 1 homozygote.

Submissions (3):

Labcorp Genetics (formerly Invitae), Labcorp
Classification: Uncertain significance. Last evaluated: 2024-06-24. Review status: criteria provided, single submitter. Criteria: Invitae Variant Classification Sherloc (09022015). Collection method: clinical testing. Allele origin: germline.
Comment: This sequence change replaces alanine, which is neutral and non-polar, with valine, which is neutral and non-polar, at codon 1255 of the ABCA4 protein (p.Ala1255Val). This variant is present in population databases (rs762125655, gnomAD 0.01%). This variant has not been reported in the literature in individuals affected with ABCA4-related conditions. ClinVar contains an entry for this variant (Variation ID: 962375). Advanced modeling of protein sequence and biophysical properties (such as structural, functional, and spatial information, amino acid conservation, physicochemical variation, residue mobility, and thermodynamic stability) performed at Invitae indicates that this missense variant is not expected to disrupt ABCA4 protein function with a negative predictive value of 95%. In summary, the available evidence is currently insufficient to determine the role of this variant in disease. Therefore, it has been classified as a Variant of Uncertain Significance.

GeneDx
Classification: Uncertain significance. Last evaluated: 2022-11-05. Review status: criteria provided, single submitter. Criteria: GeneDx Variant Classification Process June 2021. Collection method: clinical testing. Allele origin: germline. Affected: yes.
Comment: In silico analysis supports that this missense variant does not alter protein structure/function; Has not been previously published as pathogenic or benign to our knowledge

Blueprint Genetics
Classification: Uncertain significance. Last evaluated: 2022-08-26. Review status: criteria provided, single submitter. Criteria: ACMG Guidelines, 2015. Collection method: clinical testing. Allele origin: germline.

NM_000350.3(ABCA4):c.3764C>T (p.Ala1255Val)

Genes: ABCA4 (ATP binding cassette subfamily A member 4; minus strand), LOC126805794 (BRD4-independent group 4 enhancer GRCh37_chr1:94502188-94503387; plus strand). Cytogenetic location: 1p22.1.
Variant type: single nucleotide variant.
Coding change: c.3764C>T on transcript NM_000350.3 (MANE Select); coding-DNA position 3764, C replaced by T.
Protein change: p.Ala1255Val; replaces alanine 1255 with valine.
Molecular consequence: missense variant.
Genome position (GRCh38, 1-based): chr1:94,037,194, G>A on the plus strand (C>T on the coding strand, the complement: ABCA4 is on the minus strand). VCF-style: chr1-94037194-G-A. GRCh37 (hg19) VCF-style: chr1-94502750-G-A.
Other names: c.3542C>T, p.Ala1181Val (NM_001425324.1); short protein forms A1255V, A1181V.
Identifiers: ClinVar variation 962375 (VCV000962375.8), dbSNP rs762125655, ClinGen allele CA957837.